The following is an entry in ClinVar:

ClinVar aggregate classification (germline): Benign. Review status: criteria provided, multiple submitters, no conflicts (2 of 4 stars). 3 submissions from 3 submitters: Benign (2). 1 of the submissions does not count toward it. Last evaluated 2026-02-01.

Conditions:
DNAH9-related disorder. Also called: DNAH9-related condition.

Allele frequency attached by ClinVar (database versions not stated): gnomAD 0.01007; 1000 Genomes Project 30x 0.01327; ExAC 0.00332; ESP Exome Variant Server 0.01276; 1000 Genomes Project 0.01138; TOPMed 0.01216.
gnomAD v4.1: 3,341 of 1,613,988 alleles (0.21%); highest among the groups gnomAD compares: African/African-American, 3.9%; 75 homozygotes.

Submissions (3):

Labcorp Genetics (formerly Invitae), Labcorp
Classification: Benign. Last evaluated: 2026-02-01. Review status: criteria provided, single submitter. Criteria: Invitae Variant Classification Sherloc (09022015). Collection method: clinical testing. Allele origin: germline.

Breakthrough Genomics
Classification: Benign. Review status: criteria provided, single submitter. Criteria: ACMG Guidelines, 2015. Collection method: not provided. Allele origin: germline. Inheritance: Autosomal recessive inheritance. Affected: yes.

PreventionGenetics, part of Exact Sciences
Classification: Benign for DNAH9-related condition. Last evaluated: 2019-07-11. Review status: no assertion criteria provided. Collection method: clinical testing. Allele origin: germline. Not counted in ClinVar's aggregate classification.
Comment: This variant is classified as benign based on ACMG/AMP sequence variant interpretation guidelines (Richards et al. 2015 PMID: 25741868, with internal and published modifications).

NM_001372.4(DNAH9):c.3472C>T (p.Arg1158Trp)

Gene: DNAH9 (dynein axonemal heavy chain 9; plus strand). Cytogenetic location: 17p12.
Variant type: single nucleotide variant.
Coding change: c.3472C>T on transcript NM_001372.4 (MANE Select); coding-DNA position 3472, C replaced by T.
Protein change: p.Arg1158Trp; replaces arginine 1158 with tryptophan.
Molecular consequence: missense variant.
Genome position (GRCh38, 1-based): chr17:11,679,875, C>T. VCF-style: chr17-11679875-C-T. GRCh37 (hg19) VCF-style: chr17-11583192-C-T.
Other names: short protein forms R1158W.
Identifiers: ClinVar variation 786308 (VCV000786308.11), dbSNP rs8070501, ClinGen allele CA8395455.